The following is an entry in ClinVar:

NM_000452.3(SLC10A2):c.556del (p.Trp186fs)

Gene: SLC10A2 (solute carrier family 10 member 2; minus strand). Cytogenetic location: 13q33.1.
Variant type: Deletion.
Coding change: c.556del on transcript NM_000452.3 (MANE Select); coding-DNA position 556, one base deleted (T; older notation c.556delT).
Protein change: p.Trp186fs; shifts the reading frame from tryptophan 186.
Molecular consequence: frameshift variant.
Genome position (GRCh38, 1-based): chr13:103,052,649, A deleted on the plus strand (T on the coding strand, the reverse complement: SLC10A2 is on the minus strand). VCF-style (leftmost placement, unchanged base first): chr13-103052648-CA-C. GRCh37 (hg19) VCF-style: chr13-103704998-CA-C.
Other names: c.556delT (NM_000452.3); short protein forms W186fs.
Identifiers: ClinVar variation 2868591 (VCV002868591.6), dbSNP rs781456338, ClinGen allele CA7042161.

ClinVar aggregate classification (germline): Conflicting classifications of pathogenicity. Review status: criteria provided, conflicting classifications (1 of 4 stars). 4 submissions from 4 submitters: Pathogenic (1); Uncertain significance (3). Last evaluated 2026-02-23.

Conditions:
SLC10A2-related disorder. Also called: SLC10A2-related condition.
Bile acid malabsorption, primary, 1 (PBAM1). Also called: Bile acid malabsorption, primary. Identifiers: MedGen C5561934, MONDO:0013214, OMIM 613291.

Allele frequency attached by ClinVar (database versions not stated): gnomAD 0.00002 and 0.00003; TOPMed 0.00002; ESP Exome Variant Server 0.00008; gnomAD exomes 0.00010 and 0.00016; ExAC 0.00021.

Submissions (4):

PreventionGenetics, part of Exact Sciences
Classification: Uncertain significance for SLC10A2-related condition. Last evaluated: 2026-02-23. Review status: criteria provided, single submitter. Criteria: ACMG Guidelines, 2015. Collection method: clinical testing. Allele origin: germline.
Comment: The SLC10A2 c.556delT variant is predicted to result in a frameshift and premature protein termination (p.Trp186Glyfs*23). This variant has been reported in the heterozygous state as a secondary finding in an individual undergoing trio exome sequencing (Supplementary file 3, Cohen et al. 2024. PubMed ID: 38523675). This variant is reported in 0.10% of alleles in individuals of South Asian descent in gnomAD. Although we suspect that this variant may be pathogenic, at this time, the clinical significance of this variant is uncertain due to the absence of conclusive functional and genetic evidence.

Labcorp Genetics (formerly Invitae), Labcorp
Classification: Uncertain significance. Last evaluated: 2025-12-29. Review status: criteria provided, single submitter. Criteria: Invitae Variant Classification Sherloc (09022015). Collection method: clinical testing. Allele origin: germline.
Comment: This sequence change creates a premature translational stop signal (p.Trp186Glyfs*23) in the SLC10A2 gene. It is expected to result in an absent or disrupted protein product. However, the current clinical and genetic evidence is not sufficient to establish whether loss-of-function variants in SLC10A2 cause disease. This variant is present in population databases (rs781456338, gnomAD 0.1%), and has an allele count higher than expected for a pathogenic variant. This variant has not been reported in the literature in individuals affected with SLC10A2-related conditions. ClinVar contains an entry for this variant (Variation ID: 2868591). In summary, the available evidence is currently insufficient to determine the role of this variant in disease. Therefore, it has been classified as a Variant of Uncertain Significance.

Genomic Medicine Center of Excellence, King Faisal Specialist Hospital and Research Centre
Classification: Uncertain significance for Bile acid malabsorption, primary, 1. Last evaluated: 2025-09-10. Review status: criteria provided, single submitter. Criteria: ACMG Guidelines, 2015. Collection method: clinical testing. Allele origin: germline.

First Genomix Gene Laboratory, Genetic Diagnostics Department
Classification: Pathogenic for Bile acid malabsorption, primary, 1. Last evaluated: 2025-01-11. Review status: criteria provided, single submitter. Criteria: ACMG Guidelines, 2015. Collection method: clinical testing. Allele origin: germline. Inheritance: Autosomal recessive inheritance. Affected: no. Observed: 1 variant allele.